The following is an entry in ClinVar:

ClinVar aggregate classification (germline): Likely pathogenic (1 of 4 stars; one submission).

Conditions:
Dilated cardiomyopathy 1G (CMD1G). Identifiers: Orphanet 154, MedGen C1858763, MONDO:0011400, OMIM 604145.
Autosomal recessive limb-girdle muscular dystrophy type 2J (LGMDR10). Also called: MUSCULAR DYSTROPHY, LIMB-GIRDLE, AUTOSOMAL RECESSIVE 10; Limb-girdle muscular dystrophy, type 2J. Identifiers: Orphanet 140922, MedGen C1837342, MONDO:0012127, OMIM 608807.

Submission:

Labcorp Genetics (formerly Invitae), Labcorp
Classification: Likely pathogenic for Dilated cardiomyopathy 1G; Autosomal recessive limb-girdle muscular dystrophy type 2J. Last evaluated: 2025-10-02. Review status: criteria provided, single submitter. Criteria: Invitae Variant Classification Sherloc (09022015). Collection method: clinical testing. Allele origin: germline.
Comment: This sequence change affects an acceptor splice site in intron 296 of the TTN gene. It is expected to disrupt RNA splicing and likely results in a truncated or disrupted TTN protein. This variant is not present in population databases (gnomAD no frequency). This variant has not been reported in the literature in individuals affected with TTN-related conditions. ClinVar contains an entry for this variant (Variation ID: 1503471). Algorithms developed to predict the effect of sequence changes on RNA splicing suggest that this variant may disrupt the consensus splice site. This variant is located in the A band of TTN (PMID: 25589632). Truncating variants in this region are significantly overrepresented in patients affected with dilated cardiomyopathy (PMID: 25589632). Truncating variants in this region have also been reported in individuals affected with autosomal recessive centronuclear myopathy (PMID: 23975875). In summary, the currently available evidence indicates that the variant is pathogenic, but additional data are needed to prove that conclusively. Therefore, this variant has been classified as Likely Pathogenic.

Literature cited by the submitters: PubMed 25589632; PubMed 23975875.

NM_001267550.2(TTN):c.58151-2A>G

Genes: TTN (titin; minus strand), TTN-AS1 (TTN antisense RNA 1; plus strand). Cytogenetic location: 2q31.2.
Variant type: single nucleotide variant.
Coding change: c.58151-2A>G on transcript NM_001267550.2 (MANE Select); the canonical splice acceptor site of the intron before coding-DNA position 58151, A replaced by G.
Molecular consequence: splice acceptor variant.
Genome position (GRCh38, 1-based): chr2:178,594,244, T>C on the plus strand (A>G on the coding strand, the complement: TTN is on the minus strand). VCF-style: chr2-178594244-T-C. GRCh37 (hg19) VCF-style: chr2-179458971-T-C.
Other names: c.30956-2A>G (NM_003319.4); c.31532-2A>G (NM_133437.4); c.31331-2A>G (NM_133432.3); c.50447-2A>G (NM_133378.4); c.53228-2A>G (NM_001256850.1).
Identifiers: ClinVar variation 1503471 (VCV001503471.6), dbSNP rs2154187087, ClinGen allele CA349509023.